The following is an entry in ClinVar:

ClinVar aggregate classification (germline): Likely pathogenic (1 of 4 stars; one submission).

Submission:

CeGaT Center for Human Genetics Tuebingen
Classification: Likely pathogenic. Last evaluated: 2025-10-01. Review status: criteria provided, single submitter. Criteria: CeGaT Center For Human Genetics Tuebingen Variant Classification Criteria Version 2. Collection method: clinical testing. Allele origin: germline. Affected: yes. Observed: 1 variant allele.
Comment: SCN1A: PM1, PM2, PM5, PP2, PP3, PS4:Supporting

NM_001165963.4(SCN1A):c.5141T>A (p.Met1714Lys)

Genes: SCN1A (sodium voltage-gated channel alpha subunit 1; minus strand), LOC102724058 (uncharacterized LOC102724058; plus strand). Cytogenetic location: 2q24.3.
Variant type: single nucleotide variant.
Coding change: c.5141T>A on transcript NM_001165963.4 (MANE Select); coding-DNA position 5141, T replaced by A.
Protein change: p.Met1714Lys; replaces methionine 1714 with lysine.
Molecular consequence: missense variant. On other transcripts: non-coding transcript variant (1).
Genome position (GRCh38, 1-based): chr2:165,992,134, A>T on the plus strand (T>A on the coding strand, the complement: SCN1A is on the minus strand). VCF-style: chr2-165992134-A-T. GRCh37 (hg19) VCF-style: chr2-166848644-A-T.
Other names: c.5057T>A, p.Met1686Lys (NM_001165964.3, NM_001353957.2, NM_001353958.2); c.5141T>A, p.Met1714Lys (NM_001202435.3, NM_001353948.2); c.5108T>A, p.Met1703Lys (NM_001353949.2, NM_001353950.2, NM_001353951.2 and 2 more transcripts); c.5105T>A, p.Met1702Lys (NM_001353954.2, NM_001353955.2); c.5054T>A, p.Met1685Lys (NM_001353960.2); c.2699T>A, p.Met900Lys (NM_001353961.2); short protein forms M1685K, M1686K, M1702K, M1703K, M1714K, M900K.
Identifiers: ClinVar variation 4534623 (VCV004534623.6).